The following is an entry in ClinVar:

NM_000222.3(KIT):c.*888T>C

Gene: KIT (KIT proto-oncogene, receptor tyrosine kinase; plus strand). Cytogenetic location: 4q12.
Variant type: single nucleotide variant.
Coding change: c.*888T>C on transcript NM_000222.3 (MANE Select); 888 bases downstream of the stop codon, T replaced by C.
Molecular consequence: 3 prime UTR variant.
Genome position (GRCh38, 1-based): chr4:54,739,445, T>C. VCF-style: chr4-54739445-T-C. GRCh37 (hg19) VCF-style: chr4-55605611-T-C.
Other names: c.*888T>C (NM_001093772.2, NM_001385284.1, NM_001385285.1 and 4 more transcripts).
Identifiers: ClinVar variation 899421 (VCV000899421.4), dbSNP rs188598702, ClinGen allele CA96884571.

ClinVar aggregate classification (germline): Benign/Likely benign. Review status: criteria provided, single submitter (1 of 4 stars). 3 submissions from 1 submitter: Benign (1); Likely benign (2). Last evaluated 2018-01-13.

Conditions:
Gastrointestinal stromal tumor. Also called: Gastrointestinal stroma tumor; Gastrointestinal stromal tumor, somatic. Identifiers: Orphanet 44890, MedGen C0238198, MeSH D046152, MONDO:0011719, OMIM 606764, HP:0100723.
Piebaldism. Also called: Piebald skin depigmentation. Identifiers: Orphanet 2884, MedGen C0080024, MONDO:0008244, OMIM 172800, HP:0007544.
Mastocytosis. Also called: Mast Cell Disease. Identifiers: Orphanet 98292, MedGen C0024899, MONDO:0007950, HP:0100495.

Allele frequency attached by ClinVar (database versions not stated): 1000 Genomes Project 0.00140; 1000 Genomes Project 30x 0.00187; gnomAD 0.00278 and 0.00289; TOPMed 0.00319; gnomAD exomes 0.00385.
gnomAD v4.1: 748 of 233,396 alleles (0.32%); highest among the groups gnomAD compares: Admixed American, 0.65%; 2 homozygotes.

Submissions (3):

Illumina Laboratory Services, Illumina
Classification: Benign for Cutaneous mastocytosis. Last evaluated: 2018-01-13. Review status: criteria provided, single submitter. Criteria: ICSL Variant Classification Criteria 13 December 2019. Collection method: clinical testing. Allele origin: germline.
Comment: This variant was observed in the ICSL laboratory as part of a predisposition screen in an ostensibly healthy population. It had not been previously curated by ICSL or reported in the Human Gene Mutation Database (HGMD: prior to June 1st, 2018), and was therefore a candidate for classification through an automated scoring system. Utilizing variant allele frequency, disease prevalence and penetrance estimates, and inheritance mode, an automated score was calculated to assess if this variant is too frequent to cause the disease. Based on the score and internal cut-off values, a variant classified as benign is not then subjected to further curation. The score for this variant resulted in a classification of benign for this disease.

Illumina Laboratory Services, Illumina
Classification: Likely benign for Piebaldism. Last evaluated: 2018-01-13. Review status: criteria provided, single submitter. Criteria: ICSL Variant Classification Criteria 13 December 2019. Collection method: clinical testing. Allele origin: germline.
Comment: This variant was observed in the ICSL laboratory as part of a predisposition screen in an ostensibly healthy population. It had not been previously curated by ICSL or reported in the Human Gene Mutation Database (HGMD: prior to June 1st, 2018), and was therefore a candidate for classification through an automated scoring system. Utilizing variant allele frequency, disease prevalence and penetrance estimates, and inheritance mode, an automated score was calculated to assess if this variant is too frequent to cause the disease. Based on the score and internal cut-off values, a variant classified as likely benign is not then subjected to further curation. The score for this variant resulted in a classification of likely benign for this disease.

Illumina Laboratory Services, Illumina
Classification: Likely benign for Gastrointestinal stromal tumor. Last evaluated: 2018-01-13. Review status: criteria provided, single submitter. Criteria: ICSL Variant Classification Criteria 13 December 2019. Collection method: clinical testing. Allele origin: germline.
Comment: the same text as in the submission from Illumina Laboratory Services, Illumina above.